The following is an entry in ClinVar:

NM_001077350.3(NPRL3):c.547+2T>C

Genes: HBA-LCR (alpha-globin locus control region; plus strand), NPRL3 (NPR3 like, GATOR1 complex subunit; minus strand). Cytogenetic location: 16p13.3.
Variant type: single nucleotide variant.
Coding change: c.547+2T>C on transcript NM_001077350.3 (MANE Select); the canonical splice donor site of the intron after coding-DNA position 547, T replaced by C.
Molecular consequence: splice donor variant.
Genome position (GRCh38, 1-based): chr16:112,620, A>G on the plus strand (T>C on the coding strand, the complement: NPRL3 is on the minus strand). VCF-style: chr16-112620-A-G. GRCh37 (hg19) VCF-style: chr16-162619-A-G.
Other names: c.313+2T>C (NM_001243247.2); c.472+2T>C (NM_001243248.2, NM_001243249.2); c.10+2T>C (NM_001039476.3).
Identifiers: ClinVar variation 5005503 (VCV005005503.2).
Genomic context (GRCh38, chr16:112,620, plus strand): 5'-TGCGCTGCAGAGAGGCCACCAGCCAGCCCAGACCCATGCCCATCACGCCCTGCTGCACTC[A>G]CCATCAGCCATGGCGGACACCTCATCCTGGAGCGCCAGGATCAGCTTGGCCTCCCGGGTG-3'

ClinVar aggregate classification (germline): Likely pathogenic (1 of 4 stars; one submission).

Conditions:
Epilepsy, familial focal, with variable foci 3 (FFEVF3). Identifiers: MedGen C4310708, MONDO:0014925, OMIM 617118.

Submission:

Juno Genomics, Hangzhou Juno Genomics, Inc
Classification: Likely pathogenic for Epilepsy, familial focal, with variable foci 3. Review status: criteria provided, single submitter. Criteria: ACMG Guidelines, 2015. Collection method: clinical testing. Allele origin: germline.
Comment: Null variant in a gene where loss of function (LOF) is a known mechanism of disease.;Absent from controls (or at extremely low frequency if recessive) in Genome Aggregation Database.